The following is an entry in ClinVar:

NM_014699.4(ZNF646):c.1430G>A (p.Arg477Gln)

Gene: ZNF646 (zinc finger protein 646; plus strand). Cytogenetic location: 16p11.2.
Variant type: single nucleotide variant.
Coding change: c.1430G>A on transcript NM_014699.4 (MANE Select); coding-DNA position 1430, G replaced by A.
Protein change: p.Arg477Gln; replaces arginine 477 with glutamine.
Molecular consequence: missense variant.
Genome position (GRCh38, 1-based): chr16:31,077,754, G>A. VCF-style: chr16-31077754-G-A. GRCh37 (hg19) VCF-style: chr16-31089075-G-A.
Other names: short protein forms R477Q.
Identifiers: ClinVar variation 4828611 (VCV004828611.1).
Genomic context (GRCh38, chr16:31,077,754, plus strand): 5'-CCACCACCCTGGACCATCGGCCCTATAAGTGCAGTGAGTGTGGTCGTGCTTACCGCCACC[G>A]GGGGAGCCTGGTGAACCATCGCCACAGCCATCGGACTGGAGAGTACCAGTGCTCACTCTG-3'
Protein context (NP_055514.3, residues 467-487): CSECGRAYRH[Arg477Gln]GSLVNHRHSH

ClinVar aggregate classification (germline): Uncertain significance (1 of 4 stars; one submission).

gnomAD v4.1: 14 of 1,613,924 alleles (0.00087%); highest among the groups gnomAD compares: South Asian, 0.0044%; no homozygotes.

Submission:

Ambry Genetics
Classification: Uncertain significance. Last evaluated: 2026-03-10. Review status: criteria provided, single submitter. Criteria: Ambry Variant Classification Scheme 2023. Collection method: clinical testing. Allele origin: germline.
Comment: The c.1430G>A (p.R477Q) alteration is located in exon 2 (coding exon 1) of the ZNF646 gene. This alteration results from a G to A substitution at nucleotide position 1430, causing the arginine (R) at amino acid position 477 to be replaced by a glutamine (Q). Based on data from gnomAD, the A allele has an overall frequency of 0.002% (5/250458) total alleles studied. The highest observed frequency was 0.01% (3/30598) of South Asian alleles. Based on insufficient or conflicting evidence, the clinical significance of this alteration remains unclear.